The following is an entry in ClinVar:

NM_001429.4(EP300):c.2091T>G (p.Ser697Arg)

Gene: EP300 (EP300 lysine acetyltransferase; plus strand). Cytogenetic location: 22q13.2.
Variant type: single nucleotide variant.
Coding change: c.2091T>G on transcript NM_001429.4 (MANE Select); coding-DNA position 2091, T replaced by G.
Protein change: p.Ser697Arg; replaces serine 697 with arginine.
Molecular consequence: missense variant. On other transcripts: intron variant (1).
Genome position (GRCh38, 1-based): chr22:41,146,776, T>G. VCF-style: chr22-41146776-T-G. GRCh37 (hg19) VCF-style: chr22-41542780-T-G.
Other names: c.2054-1061T>G (NM_001362843.2); short protein forms S697R.
Identifiers: ClinVar variation 134035 (VCV000134035.50), dbSNP rs61756764, ClinGen allele CA158481.
Genomic context (GRCh38, chr22:41,146,776, plus strand): 5'-CTTATTTCTCTTTTTTACTCTAGATGGCCCTCTACCTGACCCAAGTATGATCCGTGGCAG[T>G]GTGCCAAACCAGATGATGCCTCGAATAACTCCACAATCTGGTAAATAGTGAAAAAAATTT-3'
Protein context (NP_001420.2, residues 687-707): PLPDPSMIRG[Ser697Arg]VPNQMMPRIT

ClinVar aggregate classification (germline): Benign/Likely benign. Review status: criteria provided, multiple submitters, no conflicts (2 of 4 stars). 11 submissions from 11 submitters: Benign (5); Likely benign (2). 4 of the submissions do not count toward it. Last evaluated 2026-09-01.

Conditions:
Rubinstein-Taybi syndrome due to EP300 haploinsufficiency. Also called: EP300-Related Rubinstein-Taybi Syndrome; RUBINSTEIN-TAYBI SYNDROME 2. Identifiers: Orphanet 353284, Orphanet 783, MedGen C3150941, MONDO:0013364, OMIM 613684.
Rubinstein-Taybi syndrome due to CREBBP mutations (RSTS1). Also called: RUBINSTEIN-TAYBI SYNDROME 1, INCOMPLETE; RUBINSTEIN SYNDROME; CREBBP-Related Rubinstein-Taybi Syndrome; BROAD THUMB-HALLUX SYNDROME; Rubinstein-Taybi syndrome 1; BROAD THUMBS AND GREAT TOES, CHARACTERISTIC FACIES, AND IMPAIRED INTELLECTUAL DEVELOPMENT. Identifiers: Orphanet 353277, Orphanet 783, MedGen C4551859, MONDO:0008393, OMIM 180849.
Intellectual disability. Also called: Intellectual functioning disability; Intellectual developmental disorder; intellectual disabilities. Identifiers: MedGen C3714756, MeSH D008607, MONDO:0001071, HP:0001249.

Allele frequency attached by ClinVar (database versions not stated): gnomAD 0.00343 and 0.00379; 1000 Genomes Project 0.00120; ESP Exome Variant Server 0.00338; TOPMed 0.00377; 1000 Genomes Project 30x 0.00141.
gnomAD v4.1: 8,516 of 1,614,124 alleles (0.53%); highest among the groups gnomAD compares: Non-Finnish European, 0.67%; 44 homozygotes.

Submissions (11):

CeGaT Center for Human Genetics Tuebingen
Classification: Benign. Last evaluated: 2026-09-01. Review status: criteria provided, single submitter. Criteria: CeGaT Center For Human Genetics Tuebingen Variant Classification Criteria Version 2. Collection method: clinical testing. Allele origin: germline. Affected: yes. Observed: 38 variant alleles.
Comment: EP300: BP4, BS1, BS2

Labcorp Genetics (formerly Invitae), Labcorp
Classification: Benign for Rubinstein-Taybi syndrome due to EP300 haploinsufficiency. Last evaluated: 2026-01-12. Review status: criteria provided, single submitter. Criteria: Invitae Variant Classification Sherloc (09022015). Collection method: clinical testing. Allele origin: germline.

Genetic Services Laboratory, University of Chicago
Classification: Benign. Last evaluated: 2021-07-27. Review status: criteria provided, single submitter. Criteria: ACMG Guidelines, 2015. Collection method: clinical testing. Allele origin: germline. Affected: no.

Mendelics
Classification: Likely benign for Rubinstein-Taybi syndrome due to CREBBP mutations. Last evaluated: 2019-05-28. Review status: criteria provided, single submitter. Criteria: Mendelics Assertion Criteria 2017. Collection method: clinical testing. Allele origin: unknown.

GeneDx
Classification: Benign. Last evaluated: 2018-09-04. Review status: criteria provided, single submitter. Criteria: GeneDx Variant Classification Process June 2021. Collection method: clinical testing. Allele origin: germline. Affected: yes.

Eurofins Ntd Llc (ga)
Classification: Benign. Last evaluated: 2014-01-27. Review status: criteria provided, single submitter. Criteria: EGL Classification Definitions 2015. Collection method: clinical testing. Allele origin: germline. Observed: 1 variant allele, 1 heterozygote.

Breakthrough Genomics
Classification: Likely benign. Review status: criteria provided, single submitter. Criteria: ACMG Guidelines, 2015. Collection method: not provided. Allele origin: germline. Inheritance: Autosomal dominant inheritance. Affected: yes.

Centre de Biologie Pathologie Génétique, Centre Hospitalier Universitaire de Lille
Classification: Likely benign for Intellectual disability. Last evaluated: 2019-01-01. Review status: no assertion criteria provided. Collection method: clinical testing. Allele origin: inherited. Affected: yes. Not counted in ClinVar's aggregate classification.

ITMI
No classification provided. Condition: AllHighlyPenetrant. Last evaluated: 2013-09-19. Review status: no classification provided. Collection method: reference population. Allele origin: germline. Not counted in ClinVar's aggregate classification.
Comment: Please see associated publication for description of ethnicities

Clinical Genetics DNA and cytogenetics Diagnostics Lab, Erasmus MC, Erasmus Medical Center
Classification: Likely benign. Review status: no assertion criteria provided. Collection method: clinical testing. Allele origin: germline. Affected: yes. Study: VKGL Data-share Consensus. Not counted in ClinVar's aggregate classification.

Laboratory of Diagnostic Genome Analysis, Leiden University Medical Center (LUMC)
Classification: Likely benign. Review status: no assertion criteria provided. Collection method: clinical testing. Allele origin: germline. Affected: yes. Study: VKGL Data-share Consensus. Not counted in ClinVar's aggregate classification.

Literature cited by the submitters: PubMed 24728327 (cited by ITMI).